The following is an entry in ClinVar:

NM_006268.5(DPF2):c.155A>T (p.Asn52Ile)

Gene: DPF2 (double PHD fingers 2; plus strand). Cytogenetic location: 11q13.1.
Variant type: single nucleotide variant.
Coding change: c.155A>T on transcript NM_006268.5 (MANE Select); coding-DNA position 155, A replaced by T.
Protein change: p.Asn52Ile; replaces asparagine 52 with isoleucine.
Molecular consequence: missense variant.
Genome position (GRCh38, 1-based): chr11:65,340,507, A>T. VCF-style: chr11-65340507-A-T. GRCh37 (hg19) VCF-style: chr11-65107978-A-T.
Other names: c.155A>T, p.Asn52Ile (NM_001330308.2); short protein forms N52I.
Identifiers: ClinVar variation 4724333 (VCV004724333.1).

ClinVar aggregate classification (germline): Uncertain significance (1 of 4 stars; one submission).

Submission:

Labcorp Genetics (formerly Invitae), Labcorp
Classification: Uncertain significance. Last evaluated: 2025-07-30. Review status: criteria provided, single submitter. Criteria: Invitae Variant Classification Sherloc (09022015). Collection method: clinical testing. Allele origin: germline.
Comment: This sequence change replaces asparagine, which is neutral and polar, with isoleucine, which is neutral and non-polar, at codon 52 of the DPF2 protein (p.Asn52Ile). This variant is not present in population databases (gnomAD no frequency). This variant has not been reported in the literature in individuals affected with DPF2-related conditions. An algorithm developed to predict the effect of missense changes on protein structure and function (PolyPhen-2) suggests that this variant is likely to be disruptive. In summary, the available evidence is currently insufficient to determine the role of this variant in disease. Therefore, it has been classified as a Variant of Uncertain Significance.